The following is an entry in ClinVar:

NM_198904.4(GABRG2):c.245G>A (p.Arg82Gln)

Gene: GABRG2 (gamma-aminobutyric acid type A receptor subunit gamma2; plus strand). Cytogenetic location: 5q34.
Variant type: single nucleotide variant.
Coding change: c.245G>A on transcript NM_198904.4 (MANE Select); coding-DNA position 245, G replaced by A.
Protein change: p.Arg82Gln; replaces arginine 82 with glutamine.
Molecular consequence: missense variant. On other transcripts: 5 prime UTR variant (3).
Genome position (GRCh38, 1-based): chr5:162,093,965, G>A. VCF-style: chr5-162093965-G-A. GRCh37 (hg19) VCF-style: chr5-161520971-G-A.
Other names: R43Q; p.R82Q:CGG>CAG; c.245G>A, p.Arg82Gln (NM_000816.3, NM_001375340.1, NM_001375341.1 and 4 more transcripts); c.236G>A, p.Arg79Gln (NM_001375339.1); c.179G>A, p.Arg60Gln (NM_001375345.1, NM_001375346.1); c.158G>A, p.Arg53Gln (NM_001375347.1); c.-114G>A (NM_001375348.1, NM_001375350.1); c.-41G>A (NM_001375349.1); short protein forms R82Q, R53Q, R60Q, R79Q.
Identifiers: ClinVar variation 16208 (VCV000016208.16), dbSNP rs121909673, ClinGen allele CA126267.
Genomic context (GRCh38, chr5:162,093,965, plus strand): 5'-CTGAGGGTGATGTCACTGTCATCTTAAACAACCTGCTGGAAGGATATGACAATAAACTTC[G>A]GCCTGATATAGGAGGTTTGTTAAAGTCTTTTGCGTTGTGCTATAGATAGGAGCACATAAA-3'
Protein context (NP_944494.1, residues 72-92): NLLEGYDNKL[Arg82Gln]PDIGVKPTLI

ClinVar aggregate classification (germline): Pathogenic/Likely pathogenic. Review status: criteria provided, multiple submitters, no conflicts (2 of 4 stars). 6 submissions from 5 submitters: Pathogenic (3); Likely pathogenic (1). 2 of the submissions do not count toward it. Last evaluated 2026-02-16.

Conditions:
GABRG2-related disorder. Also called: GABRG2-related condition.
Febrile seizures, familial, 8 (FEB8). Also called: CONVULSIONS, FAMILIAL FEBRILE, 8. Identifiers: Orphanet 36387, MedGen C1969810, MONDO:0011891, OMIM 607681.
EPILEPSY, CHILDHOOD ABSENCE, SUSCEPTIBILITY TO, 2 (ECA2). Identifiers: Orphanet 64280, MedGen C1843244, OMIM 607681.
Epilepsy. Also called: Seizure disorder. Identifiers: MedGen C0014544, MeSH D004827, MONDO:0005027.

Allele frequency attached by ClinVar (database versions not stated): TOPMed below 0.00001.

Submissions (6):

PreventionGenetics, part of Exact Sciences
Classification: Pathogenic for GABRG2-related condition. Last evaluated: 2026-02-16. Review status: criteria provided, single submitter. Criteria: ACMG Guidelines, 2015. Collection method: clinical testing. Allele origin: germline.
Comment: The GABRG2 c.245G>A variant is predicted to result in the amino acid substitution p.Arg82Gln. This variant, also described as p.Arg43Gln, has been reported in the heterozygous state in multiple individuals with generalized epilepsy with febrile seizures plus (GEFS+) and to segregate with the disorder in two families (Oliver et al. 2024. PubMed ID: 39476534; Wallace et al. 2001. PubMed ID: 11326275; Pedersen et al. 2019. PubMed ID: 31321301). It has been identified as de novo in an individual with childhood absence epilepsy (Supplementary Data 2, Takata et al. 2019. PubMed ID: 31175295). Functional studies show that this variant causes reduced GABAA surface expression and impairs protein function (reviewed by Li et al. 2024. PubMed ID: 39143639; Hernandez et al. 2023. PubMed ID: 36979350). This variant has not been reported in a large population database, indicating this variant is rare, and is classified as pathogenic in ClinVar (Variation ID: 16208). This variant is interpreted as pathogenic.

3billion
Classification: Likely pathogenic for Febrile seizures, familial, 8. Last evaluated: 2025-09-22. Review status: criteria provided, single submitter. Criteria: ACMG Guidelines, 2015. Collection method: clinical testing. Allele origin: germline. Affected: yes.
Comment: The variant is observed at an extremely low frequency in the gnomAD v4.1.0 dataset (total allele frequency: <0.001%). Predicted Consequence/Location: Missense variant In silico tool predictions suggest damaging effect of the variant on gene or gene product [REVEL: 0.90 (>=0.6, sensitivity 0.68 and specificity 0.92); 3Cnet: 0.99 (> 0.75, sensitivity 0.96 and precision 0.92)]. The same nucleotide change resulting in the same amino acid change has been previously reported as pathogenic/likely pathogenic with strong evidence (ClinVar ID: VCV000016208 /PMID: 11326275). Different missense changes at the same codon (p.Arg82Leu, p.Arg82Trp) have been reported as pathogenic/likely pathogenic with strong evidence (ClinVar ID: VCV001791457, VCV002939813). Therefore, this variant is classified as Likely pathogenic according to the recommendation of ACMG/AMP guideline.

Labcorp Genetics (formerly Invitae), Labcorp
Classification: Pathogenic for Febrile seizures, familial, 8; EPILEPSY, CHILDHOOD ABSENCE, SUSCEPTIBILITY TO, 2. Last evaluated: 2025-06-23. Review status: criteria provided, single submitter. Criteria: Invitae Variant Classification Sherloc (09022015). Collection method: clinical testing. Allele origin: germline.
Comment: This sequence change replaces arginine, which is basic and polar, with glutamine, which is neutral and polar, at codon 82 of the GABRG2 protein (p.Arg82Gln). This variant is not present in population databases (gnomAD no frequency). This missense change has been observed in individual(s) with clinical features of GABRG2-related conditions (PMID: 11326275, 31175295). It has also been observed to segregate with disease in related individuals. This variant is also known as R43Q. ClinVar contains an entry for this variant (Variation ID: 16208). Invitae Evidence Modeling of protein sequence and biophysical properties (such as structural, functional, and spatial information, amino acid conservation, physicochemical variation, residue mobility, and thermodynamic stability) indicates that this missense variant is expected to disrupt GABRG2 protein function with a positive predictive value of 95%. Experimental studies have shown that this missense change affects GABRG2 function (PMID: 11326275, 12097483, 15470132, 15866052, 16510738, 18094250, 25731747). For these reasons, this variant has been classified as Pathogenic.

GeneDx
Classification: Pathogenic. Last evaluated: 2024-12-24. Review status: criteria provided, single submitter. Criteria: GeneDx Variant Classification Process June 2021. Collection method: clinical testing. Allele origin: germline. Affected: yes.
Comment: Published functional studies demonstrate the variant disrupts GABAA receptor assembly and reduces receptor current density and current amplitude (PMID: 24798517, 12097483); Not observed at significant frequency in large population cohorts (gnomAD); In silico analysis supports that this missense variant has a deleterious effect on protein structure/function; Also known as p.(R43Q); This variant is associated with the following publications: (PMID: 28717674, 15866052, 28586508, 24630281, 17947380, 15342642, 18825662, 12097483, 15470132, 18094250, 25731747, 23408872, 25740860, 28505490, 12477709, 31440721, 31175295, 31321301, 31087664, 24798517, 11326275, 29778030)

OMIM
Classification: Pathogenic for FEBRILE SEIZURES, FAMILIAL, 8. Last evaluated: 2013-09-27. Review status: no assertion criteria provided. Collection method: literature only. Allele origin: germline. Not counted in ClinVar's aggregate classification.

OMIM
Classification: Pathogenic for FEBRILE SEIZURES, FAMILIAL, 8. Last evaluated: 2013-09-27. Review status: no assertion criteria provided. Collection method: literature only. Allele origin: germline. Not counted in ClinVar's aggregate classification.

Literature cited by the submitters: PubMed 11326275 (cited by 3 submitters); PubMed 31175295 (cited by Labcorp Genetics (formerly Invitae), Labcorp); PubMed 12097483 (cited by Labcorp Genetics (formerly Invitae), Labcorp); PubMed 15470132 (cited by Labcorp Genetics (formerly Invitae), Labcorp); PubMed 15866052 (cited by Labcorp Genetics (formerly Invitae), Labcorp); PubMed 16510738 (cited by Labcorp Genetics (formerly Invitae), Labcorp and OMIM); PubMed 18094250 (cited by Labcorp Genetics (formerly Invitae), Labcorp); PubMed 25731747 (cited by Labcorp Genetics (formerly Invitae), Labcorp); PubMed 15342642 (cited by OMIM); PubMed 17148443 (cited by OMIM); PubMed 23935098 (cited by OMIM).